The following is an entry in ClinVar:

NM_021961.6(TEAD1):c.673C>T (p.Leu225Phe)

Gene: TEAD1 (TEA domain transcription factor 1; plus strand). Cytogenetic location: 11p15.3.
Variant type: single nucleotide variant.
Coding change: c.673C>T on transcript NM_021961.6 (MANE Select); coding-DNA position 673, C replaced by T.
Protein change: p.Leu225Phe; replaces leucine 225 with phenylalanine.
Molecular consequence: missense variant.
Genome position (GRCh38, 1-based): chr11:12,883,099, C>T. VCF-style: chr11-12883099-C-T. GRCh37 (hg19) VCF-style: chr11-12904646-C-T.
Other names: short protein forms L225F.
Identifiers: ClinVar variation 1003025 (VCV001003025.10), dbSNP rs764686524, ClinGen allele CA5891701.

ClinVar aggregate classification (germline): Uncertain significance (1 of 4 stars; one submission).

Allele frequency attached by ClinVar (database versions not stated): gnomAD exomes below 0.00001; TOPMed below 0.00001; ExAC 0.00001.
gnomAD v4.1: 2 of 1,614,172 alleles (0.00012%); highest among the groups gnomAD compares: South Asian, 0.0022%; no homozygotes.

Submission:

Labcorp Genetics (formerly Invitae), Labcorp
Classification: Uncertain significance. Last evaluated: 2022-07-05. Review status: criteria provided, single submitter. Criteria: Invitae Variant Classification Sherloc (09022015). Collection method: clinical testing. Allele origin: germline.
Comment: In summary, the available evidence is currently insufficient to determine the role of this variant in disease. Therefore, it has been classified as a Variant of Uncertain Significance. Algorithms developed to predict the effect of missense changes on protein structure and function are either unavailable or do not agree on the potential impact of this missense change (SIFT: "Deleterious"; PolyPhen-2: "Possibly Damaging"; Align-GVGD: "Class C0"). ClinVar contains an entry for this variant (Variation ID: 1003025). This variant has not been reported in the literature in individuals affected with TEAD1-related conditions. This variant is present in population databases (rs764686524, gnomAD 0.003%). This sequence change replaces leucine, which is neutral and non-polar, with phenylalanine, which is neutral and non-polar, at codon 225 of the TEAD1 protein (p.Leu225Phe).